The following is an entry in ClinVar:

ClinVar aggregate classification (germline): Conflicting classifications of pathogenicity. Review status: criteria provided, conflicting classifications (1 of 4 stars). 5 submissions from 5 submitters: Uncertain significance (1); Benign (1); Likely benign (2). 1 of the submissions does not count toward it. Last evaluated 2026-02-01.

Conditions:
DDX41-related disorder. Also called: DDX41-related condition.
Inborn genetic diseases. Identifiers: MedGen C0950123, MeSH D030342.

Allele frequency attached by ClinVar (database versions not stated): TOPMed 0.00010; gnomAD 0.00018; ESP Exome Variant Server 0.00031; ExAC 0.00035.
gnomAD v4.1: 300 of 1,613,900 alleles (0.019%); highest among the groups gnomAD compares: Middle Eastern, 0.49%; 1 homozygote.

Submissions (5):

Labcorp Genetics (formerly Invitae), Labcorp
Classification: Benign. Last evaluated: 2026-02-01. Review status: criteria provided, single submitter. Criteria: Invitae Variant Classification Sherloc (09022015). Collection method: clinical testing. Allele origin: germline.

Ambry Genetics
Classification: Likely benign for Inborn genetic diseases. Last evaluated: 2024-12-13. Review status: criteria provided, single submitter. Criteria: Ambry Variant Classification Scheme 2023. Collection method: clinical testing. Allele origin: germline.

Blueprint Genetics
Classification: Likely benign. Last evaluated: 2024-10-24. Review status: criteria provided, single submitter. Criteria: ACMG Guidelines, 2015. Collection method: clinical testing. Allele origin: germline.

GeneDx
Classification: Uncertain significance. Last evaluated: 2022-10-17. Review status: criteria provided, single submitter. Criteria: GeneDx Variant Classification Process June 2021. Collection method: clinical testing. Allele origin: germline. Affected: yes.
Comment: Has not been previously published as pathogenic or benign to our knowledge; In silico analysis is inconclusive as to whether the variant alters gene splicing. In the absence of RNA/functional studies, the actual effect of this sequence change is unknown.

PreventionGenetics, part of Exact Sciences
Classification: Likely benign for DDX41-related condition. Last evaluated: 2021-10-27. Review status: no assertion criteria provided. Collection method: clinical testing. Allele origin: germline. Not counted in ClinVar's aggregate classification.
Comment: This variant is classified as likely benign based on ACMG/AMP sequence variant interpretation guidelines (Richards et al. 2015 PMID: 25741868, with internal and published modifications).

NM_016222.4(DDX41):c.591G>A (p.Lys197=)

Gene: DDX41 (DEAD-box helicase 41; minus strand). Cytogenetic location: 5q35.3.
Variant type: single nucleotide variant.
Coding change: c.591G>A on transcript NM_016222.4 (MANE Select); coding-DNA position 591, G replaced by A.
Protein change: p.Lys197=; no amino-acid change (lysine 197 retained).
Molecular consequence: synonymous variant.
Genome position (GRCh38, 1-based): chr5:177,515,239, C>T on the plus strand (G>A on the coding strand, the complement: DDX41 is on the minus strand). VCF-style: chr5-177515239-C-T. GRCh37 (hg19) VCF-style: chr5-176942240-C-T.
Other names: c.591G>A (NM_016222.2, NM_016222.3); c.213G>A, p.Lys71= (NM_001321732.2, NM_001321830.2).
Identifiers: ClinVar variation 2044907 (VCV002044907.9), dbSNP rs149122003, ClinGen allele CA3585095.
Genomic context (GRCh38, chr5:177,515,239, plus strand): 5'-CACTCACATGGTGGGGATGCCCTGGATCTGAATGGGTGTTGGGTGGTGAATGCCTTTCTT[C>T]TTCAGGCCTCTCAGGATGGCTATGAAAACCAACCGACATCGTCTTCATGACTCACAGGTA-3'
Protein context (NP_057306.2, residues 187-207): KFPAAILRGL[Lys197=]KKGIHHPTPI